The following is an entry in ClinVar:

NM_004260.4(RECQL4):c.2234A>T (p.His745Leu)

Gene: RECQL4 (RecQ like helicase 4; minus strand). Cytogenetic location: 8q24.3.
Variant type: single nucleotide variant.
Coding change: c.2234A>T on transcript NM_004260.4 (MANE Select); coding-DNA position 2234, A replaced by T.
Protein change: p.His745Leu; replaces histidine 745 with leucine.
Molecular consequence: missense variant. On other transcripts: non-coding transcript variant (3).
Genome position (GRCh38, 1-based): chr8:144,513,447, T>A on the plus strand (A>T on the coding strand, the complement: RECQL4 is on the minus strand). VCF-style: chr8-144513447-T-A. GRCh37 (hg19) VCF-style: chr8-145738831-T-A.
Other names: c.767A>T, p.His256Leu (NM_001413043.1); c.1163A>T, p.His388Leu (NM_001413023.1, NM_001413024.1, NM_001413028.1 and 6 more transcripts); c.2105A>T, p.His702Leu (NM_001413025.1); c.1097A>T, p.His366Leu (NM_001413027.1, NM_001413030.1, NM_001413032.1 and 1 more transcripts); c.1883A>T, p.His628Leu (NM_001413029.1); c.965A>T, p.His322Leu (NM_001413031.1); c.2138A>T, p.His713Leu (NM_001413017.1, NM_001413020.1); c.2234A>T, p.His745Leu (NM_001413018.1, NM_001413019.1, NM_001413036.1); and 4 more; short protein forms H628L, H701L, H256L, H344L, H745L, H366L, H735L, H322L.
Identifiers: ClinVar variation 4844346 (VCV004844346.1).

ClinVar aggregate classification (germline): Uncertain significance (1 of 4 stars; one submission).

Conditions:
Inborn genetic diseases. Identifiers: MedGen C0950123, MeSH D030342.

Submission:

Ambry Genetics
Classification: Uncertain significance for Inborn genetic diseases. Last evaluated: 2026-01-18. Review status: criteria provided, single submitter. Criteria: Ambry Variant Classification Scheme 2023. Collection method: clinical testing. Allele origin: germline.
Comment: The p.H745L variant (also known as c.2234A>T), located in coding exon 14 of the RECQL4 gene, results from an A to T substitution at nucleotide position 2234. The histidine at codon 745 is replaced by leucine, an amino acid with similar properties. This amino acid position is conserved. In addition, this alteration is predicted to be deleterious by in silico analysis. Based on the available evidence, the clinical significance of this variant remains unclear.